The following is an entry in ClinVar:

NM_206933.4(USH2A):c.10040A>C (p.His3347Pro)

Gene: USH2A (usherin; minus strand). Cytogenetic location: 1q41.
Variant type: single nucleotide variant.
Coding change: c.10040A>C on transcript NM_206933.4 (MANE Select); coding-DNA position 10040, A replaced by C.
Protein change: p.His3347Pro; replaces histidine 3347 with proline.
Molecular consequence: missense variant.
Genome position (GRCh38, 1-based): chr1:215,790,201, T>G on the plus strand (A>C on the coding strand, the complement: USH2A is on the minus strand). VCF-style: chr1-215790201-T-G. GRCh37 (hg19) VCF-style: chr1-215963543-T-G.
Other names: short protein forms H3347P.
Identifiers: ClinVar variation 1059364 (VCV001059364.9), dbSNP rs1415565146, ClinGen allele CA344844286.

ClinVar aggregate classification (germline): Uncertain significance (1 of 4 stars; one submission).

Submission:

Labcorp Genetics (formerly Invitae), Labcorp
Classification: Uncertain significance. Last evaluated: 2020-02-25. Review status: criteria provided, single submitter. Criteria: Invitae Variant Classification Sherloc (09022015). Collection method: clinical testing. Allele origin: germline.
Comment: Algorithms developed to predict the effect of missense changes on protein structure and function (SIFT, PolyPhen-2, Align-GVGD) all suggest that this variant is likely to be disruptive, but these predictions have not been confirmed by published functional studies and their clinical significance is uncertain. This variant has not been reported in the literature in individuals with USH2A-related conditions. This variant is not present in population databases (ExAC no frequency). This sequence change replaces histidine with proline at codon 3347 of the USH2A protein (p.His3347Pro). The histidine residue is highly conserved and there is a moderate physicochemical difference between histidine and proline. In summary, the available evidence is currently insufficient to determine the role of this variant in disease. Therefore, it has been classified as a Variant of Uncertain Significance.